The following is an entry in ClinVar:

NM_003079.5(SMARCE1):c.156+6A>G

Gene: SMARCE1 (SWI/SNF related BAF chromatin remodeling complex subunit E1; minus strand). Cytogenetic location: 17q21.2.
Variant type: single nucleotide variant.
Coding change: c.156+6A>G on transcript NM_003079.5 (MANE Select); 6 bases into the intron after coding-DNA position 156, A replaced by G.
Molecular consequence: intron variant.
Genome position (GRCh38, 1-based): chr17:40,642,449, T>C on the plus strand (A>G on the coding strand, the complement: SMARCE1 is on the minus strand). VCF-style: chr17-40642449-T-C. GRCh37 (hg19) VCF-style: chr17-38798701-T-C.
Identifiers: ClinVar variation 2989750 (VCV002989750.3), dbSNP rs2508613438, ClinGen allele CA2637753581.

ClinVar aggregate classification (germline): Uncertain significance (1 of 4 stars; one submission).

Conditions:
Familial meningioma. Also called: Meningioma, familial, susceptibility to. Identifiers: Orphanet 263662, MedGen C3551915, MONDO:0011789, OMIM 607174.

Submission:

Labcorp Genetics (formerly Invitae), Labcorp
Classification: Uncertain significance for Familial meningioma. Last evaluated: 2025-11-19. Review status: criteria provided, single submitter. Criteria: Invitae Variant Classification Sherloc (09022015). Collection method: clinical testing. Allele origin: germline.
Comment: This sequence change falls in intron 4 of the SMARCE1 gene. It does not directly change the encoded amino acid sequence of the SMARCE1 protein. RNA analysis indicates that this variant induces altered splicing and likely results in a shortened protein product. This variant is not present in population databases (gnomAD no frequency). This variant has not been reported in the literature in individuals affected with SMARCE1-related conditions. ClinVar contains an entry for this variant (Variation ID: 2989750). Variants that disrupt the consensus splice site are a relatively common cause of aberrant splicing (PMID: 17576681, 9536098). Studies have shown that this variant results in skipping of exon 4, but is expected to preserve the integrity of the reading-frame (internal data). In summary, the available evidence is currently insufficient to determine the role of this variant in disease. Therefore, it has been classified as a Variant of Uncertain Significance.

Literature cited by the submitters: PubMed 17576681; PubMed 9536098.